The following is an entry in ClinVar:

ClinVar aggregate classification (germline): Likely benign (1 of 4 stars; one submission).

Conditions:
Shashi-Pena syndrome (SHAPNS). Identifiers: Orphanet 689408, MedGen C4310672, MONDO:0014963, OMIM 617190.

Submission:

Centre for Medical Genetics,  Mumbai
Classification: Likely benign for Shashi-Pena syndrome. Last evaluated: 2026-03-13. Review status: criteria provided, single submitter. Criteria: ACMG Guidelines, 2015. Collection method: provider interpretation. Allele origin: germline. Inheritance: Autosomal dominant inheritance. Affected: no. Observed: 1 variant allele, 1 heterozygote.
Comment: The variant satisfies PM2 criteria; Extremely low frequency in gnomAD population databases. The variant satisfies BP4 criteria; For a missense or a splice region variant, computational prediction tools unanimously support a benign effect on the gene. However, the variant satisfies BS2 criteria; present in heterozygous state in an individual that clinically does not have Shashi-Pena syndrome.

Literature cited by the submitters: PubMed 27693232.

NM_018263.6(ASXL2):c.1393C>T (p.Leu465Phe)

Gene: ASXL2 (ASXL transcriptional regulator 2; minus strand). Cytogenetic location: 2p23.3.
Variant type: single nucleotide variant.
Coding change: c.1393C>T on transcript NM_018263.6 (MANE Select); coding-DNA position 1393, C replaced by T.
Protein change: p.Leu465Phe; replaces leucine 465 with phenylalanine.
Molecular consequence: missense variant.
Genome position (GRCh38, 1-based): chr2:25,750,163, G>A on the plus strand (C>T on the coding strand, the complement: ASXL2 is on the minus strand). VCF-style: chr2-25750163-G-A. GRCh37 (hg19) VCF-style: chr2-25973032-G-A.
Other names: c.1219C>T, p.Leu407Phe (NM_001369346.1); c.613C>T, p.Leu205Phe (NM_001369347.1); short protein forms L205F, L407F, L465F.
Identifiers: ClinVar variation 4819426 (VCV004819426.1).